The following is an entry in ClinVar:

ClinVar aggregate classification (germline): Uncertain significance (0 of 4 stars; one submission).

Conditions:
INPP5E-related disorder. Also called: INPP5E-related condition.

Submission:

PreventionGenetics, part of Exact Sciences
Classification: Uncertain significance for INPP5E-related condition. Last evaluated: 2024-05-30. Review status: no assertion criteria provided. Collection method: clinical testing. Allele origin: germline.
Comment: The INPP5E c.1900_1901delAG variant is predicted to result in a frameshift and premature protein termination (p.Gln635Glufs*62). To our knowledge, this variant has not been reported in the literature or in a large population database, indicating this variant is rare. This loss-of-function variant occurs in the last exon and it is not predicted to undergo nonsense mediated decay. Downstream loss-of-function variants have not been reported as causative. Although we suspect that this variant may be pathogenic, at this time, the clinical significance of this variant is uncertain due to the absence of conclusive functional and genetic evidence.

NM_019892.6(INPP5E):c.1900_1901del (p.Gln635fs)

Gene: INPP5E (inositol polyphosphate-5-phosphatase E; minus strand). Cytogenetic location: 9q34.3.
Variant type: Microsatellite.
Coding change: c.1900_1901del on transcript NM_019892.6 (MANE Select); coding-DNA positions 1900 to 1901, 2 bases deleted (AG; older notation c.1900_1901delAG).
Protein change: p.Gln635fs; shifts the reading frame from glutamine 635.
Molecular consequence: frameshift variant.
Genome position (GRCh38, 1-based): chr9:136,429,709-136,429,710, CT deleted on the plus strand (AG on the coding strand, the reverse complement: INPP5E is on the minus strand); deleting any 2 consecutive bases within chr9:136,429,709-136,429,712 gives the same sequence; the c. name uses the placement nearest the transcript's 3' end. VCF-style (leftmost placement, unchanged base first): chr9-136429708-ACT-A. GRCh37 (hg19) VCF-style: chr9-139324160-ACT-A.
Other names: c.1897_1898del, p.Gln634fs (NM_001318502.2); short protein forms Q634fs, Q635fs.
Identifiers: ClinVar variation 3344899 (VCV003344899.1).